The following is an entry in ClinVar:

NM_018112.3(TMEM38B):c.662T>C (p.Ile221Thr)

Gene: TMEM38B (transmembrane protein 38B; plus strand). Cytogenetic location: 9q31.2.
Variant type: single nucleotide variant.
Coding change: c.662T>C on transcript NM_018112.3 (MANE Select); coding-DNA position 662, T replaced by C.
Protein change: p.Ile221Thr; replaces isoleucine 221 with threonine.
Molecular consequence: missense variant.
Genome position (GRCh38, 1-based): chr9:105,773,866, T>C. VCF-style: chr9-105773866-T-C. GRCh37 (hg19) VCF-style: chr9-108536147-T-C.
Other names: c.662T>C (NM_018112.2); short protein forms I221T.
Identifiers: ClinVar variation 1299480 (VCV001299480.14), dbSNP rs201882609, ClinGen allele CA5170986.

ClinVar aggregate classification (germline): Conflicting classifications of pathogenicity. Review status: criteria provided, conflicting classifications (1 of 4 stars). 5 submissions from 5 submitters: Pathogenic (1); Uncertain significance (2); Likely benign (2). Last evaluated 2026-01-28.

Conditions:
Osteogenesis imperfecta type 14. Also called: OI, TYPE XIV; Osteogenesis imperfecta, type xiv. Identifiers: Orphanet 666, MedGen C3554428, MONDO:0014029, OMIM 615066.
Osteogenesis imperfecta (OI). Identifiers: Orphanet 666, MedGen C0029434, MeSH D010013, MONDO:0019019.

Allele frequency attached by ClinVar (database versions not stated): ESP Exome Variant Server 0.00015; gnomAD exomes 0.00018 and 0.00034; gnomAD 0.00020 and 0.00021; TOPMed 0.00023; ExAC 0.00031.
gnomAD v4.1: 317 of 1,602,702 alleles (0.02%); highest among the groups gnomAD compares: Middle Eastern, 0.17%; no homozygotes.

Submissions (5):

Labcorp Genetics (formerly Invitae), Labcorp
Classification: Likely benign. Last evaluated: 2026-01-28. Review status: criteria provided, single submitter. Criteria: Invitae Variant Classification Sherloc (09022015). Collection method: clinical testing. Allele origin: germline.

Blueprint Genetics
Classification: Likely benign. Last evaluated: 2024-11-26. Review status: criteria provided, single submitter. Criteria: ACMG Guidelines, 2015. Collection method: clinical testing. Allele origin: germline.

Genome Diagnostics Laboratory, The Hospital for Sick Children
Classification: Uncertain significance for Osteogenesis imperfecta. Last evaluated: 2022-01-28. Review status: criteria provided, single submitter. Criteria: ACMG Guidelines, 2015. Collection method: clinical testing. Allele origin: germline.

Breda Genetics srl
Classification: Uncertain significance for Osteogenesis imperfecta type 14. Last evaluated: 2021-06-24. Review status: criteria provided, single submitter. Criteria: ACMG Guidelines, 2015. Collection method: clinical testing. Allele origin: germline. Inheritance: Autosomal recessive inheritance. Affected: yes. Observed: 1 variant allele, 1 heterozygote.
Comment: Based on allele frequency, in-silico prediction scores and a certain overlap with the clinical phenotype, we interpreted this variant at least as of uncertain significance. The lack of one or more of the following features has discouraged further investigations: lack of a possible second hit in autosomal recessive conditions, presence of healthy controls in databases for autosomal dominant conditions, presence of unmatching cardinal clinical features in the patient or in the known gene-disease association, and/or variant type outside the known gene mutational spectrum.

Dr. Orhan Ocalgiray Molecular Biology-Biotechnology and Genetics Research Centre (MOBGAM), Istanbul Technical University
Classification: Pathogenic for Osteogenesis imperfecta type 14. Review status: criteria provided, single submitter. Criteria: ACMG Guidelines, 2015. Collection method: research. Allele origin: germline. Inheritance: Autosomal recessive inheritance. Affected: yes. Observed: 1 homozygote.
Comment: This variant has a CADD score of 22, indicating a potentially deleterious effect and rareness which we can indicate that as pathogenic.